The following is an entry in ClinVar:

ClinVar aggregate classification (germline): Uncertain significance. Review status: criteria provided, multiple submitters, no conflicts (2 of 4 stars). 2 submissions from 2 submitters: Uncertain significance (2). Last evaluated 2022-01-03.

Conditions:
X-linked Alport syndrome (ATS1). Also called: COL4A5-Related Nephropathy; NEPHROPATHY AND DEAFNESS, X-LINKED. Identifiers: Orphanet 63, Orphanet 88917, MedGen C4746986, MONDO:0010520, OMIM 301050.

Submissions (2):

Fulgent Genetics
Classification: Uncertain significance for X-linked Alport syndrome. Last evaluated: 2022-01-03. Review status: criteria provided, single submitter. Criteria: ACMG Guidelines, 2015. Collection method: clinical testing. Allele origin: unknown.

Labcorp Genetics (formerly Invitae), Labcorp
Classification: Uncertain significance. Last evaluated: 2020-07-27. Review status: criteria provided, single submitter. Criteria: Invitae Variant Classification Sherloc (09022015). Collection method: clinical testing. Allele origin: germline.
Comment: This variant has been observed in individual(s) with Alport syndrome (PMID: 15954103). This variant is also known as IVS40+3T>A in the literature. ClinVar contains an entry for this variant (Variation ID: 587312). This variant is not present in population databases (ExAC no frequency). This sequence change falls in intron 40 of the COL4A5 gene. It does not directly change the encoded amino acid sequence of the COL4A5 protein, but it affects a nucleotide within the consensus splice site of the intron. Nucleotide substitutions within the consensus splice site are a relatively common cause of aberrant splicing (PMID: 17576681, 9536098). Algorithms developed to predict the effect of sequence changes on RNA splicing suggest that this variant may disrupt the consensus splice site, but this prediction has not been confirmed by published transcriptional studies. In summary, the available evidence is currently insufficient to determine the role of this variant in disease. Therefore, it has been classified as a Variant of Uncertain Significance.

Literature cited by the submitters: PubMed 15954103 (cited by Labcorp Genetics (formerly Invitae), Labcorp); PubMed 17576681 (cited by Labcorp Genetics (formerly Invitae), Labcorp); PubMed 9536098 (cited by Labcorp Genetics (formerly Invitae), Labcorp).

NM_033380.3(COL4A5):c.3604+3A>T

Gene: COL4A5 (collagen type IV alpha 5 chain; plus strand). Cytogenetic location: Xq22.3.
Variant type: single nucleotide variant.
Coding change: c.3604+3A>T on transcript NM_033380.3 (MANE Select); 3 bases into the intron after coding-DNA position 3604, A replaced by T.
Molecular consequence: intron variant.
Genome position (GRCh38, 1-based): chrX:108,667,186, A>T. VCF-style: chrX-108667186-A-T. GRCh37 (hg19) VCF-style: chrX-107910416-A-T.
Other names: c.3604+3A>T (NM_000495.5).
Identifiers: ClinVar variation 587312 (VCV000587312.12), dbSNP rs1569505614, ClinGen allele CA891843682.
Genomic context (GRCh38, chrX:108,667,186, plus strand): 5'-CTGACAGGTCAACCAGGCTTTGGAAACCCAGGACCCCCTGGACTTCCAGGACTTTCTGGT[A>T]AACCTTAATAAAACATGCTAAATCAATCTATAATAAAATGAGATTATTTCCAAATACATC-3'